The following is an entry in ClinVar:

ClinVar aggregate classification (germline): Uncertain significance (1 of 4 stars; one submission).

Conditions:
Neurofibromatosis, type 1 (NF1). Also called: VON RECKLINGHAUSEN DISEASE; NEUROFIBROMATOSIS, TYPE I, SOMATIC; Peripheral type neurofibromatosis; Neurofibromatosis, type I. Identifiers: Orphanet 636, MedGen C0027831, MONDO:0018975, OMIM 162200. Disease mechanism: loss of function.

Submission:

Labcorp Genetics (formerly Invitae), Labcorp
Classification: Uncertain significance for Neurofibromatosis, type 1. Last evaluated: 2020-02-12. Review status: criteria provided, single submitter. Criteria: Invitae Variant Classification Sherloc (09022015). Collection method: clinical testing. Allele origin: germline.
Comment: This sequence change replaces glutamine with histidine at codon 1336 of the NF1 protein (p.Gln1336His). The glutamine residue is moderately conserved and there is a small physicochemical difference between glutamine and histidine. This variant is not present in population databases (ExAC no frequency). This variant has not been reported in the literature in individuals with NF1-related conditions. Algorithms developed to predict the effect of missense changes on protein structure and function are either unavailable or do not agree on the potential impact of this missense change (SIFT: "Tolerated"; PolyPhen-2: "Probably Damaging"; Align-GVGD: "Class C0"). In summary, the available evidence is currently insufficient to determine the role of this variant in disease. Therefore, it has been classified as a Variant of Uncertain Significance.

NM_001042492.3(NF1):c.4008G>T (p.Gln1336His)

Gene: NF1 (neurofibromin 1; plus strand). Cytogenetic location: 17q11.2.
Variant type: single nucleotide variant.
Coding change: c.4008G>T on transcript NM_001042492.3 (MANE Select); coding-DNA position 4008, G replaced by T.
Protein change: p.Gln1336His; replaces glutamine 1336 with histidine.
Molecular consequence: missense variant.
Genome position (GRCh38, 1-based): chr17:31,249,017, G>T. VCF-style: chr17-31249017-G-T. GRCh37 (hg19) VCF-style: chr17-29576035-G-T.
Other names: c.4008G>T, p.Gln1336His (NM_000267.4); short protein forms Q1336H.
Identifiers: ClinVar variation 1046737 (VCV001046737.5), dbSNP rs2067448530, ClinGen allele CA398994882.